The following is an entry in ClinVar:

NM_000038.6(APC):c.2204C>T (p.Ala735Val)

Gene: APC (APC regulator of Wnt signaling pathway; plus strand). Cytogenetic location: 5q22.2.
Variant type: single nucleotide variant.
Coding change: c.2204C>T on transcript NM_000038.6 (MANE Select); coding-DNA position 2204, C replaced by T.
Protein change: p.Ala735Val; replaces alanine 735 with valine.
Molecular consequence: missense variant.
Genome position (GRCh38, 1-based): chr5:112,837,798, C>T. VCF-style: chr5-112837798-C-T. GRCh37 (hg19) VCF-style: chr5-112173495-C-T.
Other names: p.A735V:GCG>GTG; c.2204C>T, p.Ala735Val (NM_001127510.3, NM_001354895.2); c.2150C>T, p.Ala717Val (NM_001127511.3); c.2258C>T, p.Ala753Val (NM_001354896.2); c.2234C>T, p.Ala745Val (NM_001354897.2); c.2129C>T, p.Ala710Val (NM_001354898.2); c.2120C>T, p.Ala707Val (NM_001354899.2); c.2081C>T, p.Ala694Val (NM_001354900.2); and 6 more; short protein forms A735V, A717V, A452V, A676V, A745V, A609V, A634V, A644V.
Identifiers: ClinVar variation 41521 (VCV000041521.64), dbSNP rs147655929, ClinGen allele CA007259.

ClinVar aggregate classification (germline): Benign/Likely benign. Review status: criteria provided, multiple submitters, no conflicts (2 of 4 stars). 14 submissions from 14 submitters: Benign (3); Likely benign (8). 3 of the submissions do not count toward it. Last evaluated 2026-01-31.

Conditions:
Hereditary cancer. Identifiers: MedGen C1333600.
Hereditary cancer-predisposing syndrome. Also called: Tumor predisposition; Neoplastic Syndromes, Hereditary; Hereditary Cancer Syndrome; Hereditary neoplastic syndrome. Identifiers: Orphanet 140162, MedGen C0027672, MeSH D009386, MONDO:0015356.
Familial multiple polyposis syndrome (FAP). Also called: Classic familial adenomatous polyposis; Familial adenomatous polyposis; Familial intestinal polyposis; Familial polyposis; Familial Adenomatous Polyposis (FAP). Identifiers: Orphanet 733, MedGen C0032580, MONDO:0021055. Disease mechanism: loss of function.
Familial adenomatous polyposis 1 (FAP1). Also called: FAMILIAL ADENOMATOUS POLYPOSIS 1, ATTENUATED; POLYPOSIS, ADENOMATOUS INTESTINAL. Identifiers: MedGen C2713442, MONDO:0021056, OMIM 175100. Disease mechanism: loss of function.
Colorectal cancer, susceptibility to. Identifiers: MedGen C1858438.
Neoplasm of the liver. Identifiers: MedGen C0023903, HP:0002896.

Allele frequency attached by ClinVar (database versions not stated): gnomAD 0.00011 and 0.00012; TOPMed 0.00015; 1000 Genomes Project 30x 0.00016; 1000 Genomes Project 0.00020; ExAC 0.00004; gnomAD exomes 0.00006; ESP Exome Variant Server 0.00023.
gnomAD v4.1: 115 of 1,613,948 alleles (0.0071%); highest among the groups gnomAD compares: African/African-American, 0.028%; no homozygotes.

Submissions (14):

Labcorp Genetics (formerly Invitae), Labcorp
Classification: Benign for Familial adenomatous polyposis 1. Last evaluated: 2026-01-31. Review status: criteria provided, single submitter. Criteria: Invitae Variant Classification Sherloc (09022015). Collection method: clinical testing. Allele origin: germline.

Mendelics
Classification: Likely benign for Hereditary cancer. Last evaluated: 2025-02-27. Review status: criteria provided, single submitter. Criteria: ACMG Guidelines, 2015. Collection method: clinical testing. Allele origin: unknown.
Comment: This variant is considered likely benign or benign based on one or more of the following: it is predicted to be benign by multiple in silico algorithms, and/or has population frequency not consistent with disease, and/or has normal protein function, and/or has lack of segregation with disease, and/or has been detected in co-occurrence with known pathogenic variant, and/or has lack of disease association in case-control studies, and/or is located in a region inconsistent with a known cause of pathogenicity.

Blueprint Genetics
Classification: Likely benign. Last evaluated: 2024-11-05. Review status: criteria provided, single submitter. Criteria: ACMG Guidelines, 2015. Collection method: clinical testing. Allele origin: germline.

Quest Diagnostics Nichols Institute San Juan Capistrano
Classification: Likely benign. Last evaluated: 2023-02-07. Review status: criteria provided, single submitter. Criteria: Quest Diagnostics criteria. Collection method: clinical testing. Allele origin: unknown.

Sema4
Classification: Likely benign for Hereditary cancer-predisposing syndrome. Last evaluated: 2021-08-03. Review status: criteria provided, single submitter. Criteria: Sema4 Curation Guidelines. Collection method: curation. Allele origin: germline.

CeGaT Center for Human Genetics Tuebingen
Classification: Likely benign. Last evaluated: 2021-01-01. Review status: criteria provided, single submitter. Criteria: CeGaT Center For Human Genetics Tuebingen Variant Classification Criteria Version 2. Collection method: clinical testing. Allele origin: germline. Affected: yes. Observed: 1 variant allele.

Women's Health and Genetics/Laboratory Corporation of America, LabCorp
Classification: Benign. Last evaluated: 2020-11-27. Review status: criteria provided, single submitter. Criteria: LabCorp Variant Classification Summary - May 2015. Collection method: clinical testing. Allele origin: germline.
Comment: Variant summary: APC c.2204C>T (p.Ala735Val) results in a non-conservative amino acid change in the encoded protein sequence. Three of five in-silico tools predict a benign effect of the variant on protein function. The variant allele was found at a frequency of 5.6e-05 in 249992 control chromosomes. This frequency is not significantly higher than expected for a pathogenic variant in APC causing Familial Adenomatous Polyposis (5.6e-05 vs 7.1e-05), allowing no conclusion about variant significance. c.2204C>T has been reported in the literature in individuals affected with colorectal cancer (Yurgelun_2015, Yurgelun_2017), breast cancer (Tung_2014, Tung_2016), clinical laboratory APC sequencing cohort (Kerr_2013), patients undergoing multigene panel testing (Shirts_2016). These report(s) do not provide unequivocal conclusions about association of the variant with Familial Adenomatous Polyposis. At-least two co-occurrences with other pathogenic variant(s) have been reported (APC c.994C>T, p.Arg332X, Kerr_2013; BRCA2 c.5351dupA, p.Asn1784Lysfs*3, Tung_2014), providing supporting evidence for a benign role. To our knowledge, no experimental evidence demonstrating an impact on protein function has been reported. Eight clinical diagnostic laboratories have submitted clinical-significance assessments for this variant to ClinVar after 2014 without evidence for independent evaluation. Multiple laboratories reported the variant with conflicting assessments with a majority consensus leaning towards benign(n=3)/likely benign(n=2). Based on the evidence outlined above, the variant was re-classified as benign.

GeneDx
Classification: Likely benign. Last evaluated: 2020-02-04. Review status: criteria provided, single submitter. Criteria: GeneDx Variant Classification Process June 2021. Collection method: clinical testing. Allele origin: germline. Affected: yes.
Comment: This variant is associated with the following publications: (PMID: 23159591, 25980754, 22703879, 26976419, 26845104, 28135145)

University of Washington Department of Laboratory Medicine, University of Washington
Classification: Likely benign for Colorectal cancer, susceptibility to. Last evaluated: 2019-09-09. Review status: criteria provided, single submitter. Criteria: Shirts et al. (Genet Med 2016). Collection method: clinical testing. Allele origin: germline. Affected: no. Observed: 2 variant alleles.
Comment: The variant occurs at an amino acid position that is evolutionarily conserved, and although it is classified as probably damaging by computer analysis with programs PolyPhen2 and SIFT, no functional studies that describe its impact on protein function have been published. This variant been seen to co-occur with other pathogenic variants in APC (Tung 2015, Kerr 2013). This variant occurs at an allele frequency of 0.002%. There have been no clinical reports on this specific variant suggesting that this variant causes increased cancer risk. ClinVar has an entry for this variant (Variation ID: 41521), which has been classified as likely benign by other laboratories. A modest (less than 2-fold) increase in cancer risk due to this variant cannot be excluded.

Color Diagnostics, LLC DBA Color Health
Classification: Likely benign for Hereditary cancer-predisposing syndrome. Last evaluated: 2016-06-24. Review status: criteria provided, single submitter. Criteria: ACMG Guidelines, 2015. Collection method: clinical testing. Allele origin: germline.

Ambry Genetics
Classification: Benign for Hereditary cancer-predisposing syndrome. Last evaluated: 2015-06-19. Review status: criteria provided, single submitter. Criteria: Ambry Variant Classification Scheme 2023. Collection method: clinical testing. Allele origin: germline.

3DMed Clinical Laboratory Inc
Classification: Uncertain significance for Neoplasm of the liver. Last evaluated: 2017-01-09. Review status: no assertion criteria provided. Criteria: ACMG Guidelines, 2015. Collection method: clinical testing. Allele origin: germline. Affected: yes. Not counted in ClinVar's aggregate classification.

CSER _CC_NCGL, University of Washington
Classification: Likely benign for Familial adenomatous polyposis. Last evaluated: 2016-08-01. Review status: no assertion criteria provided. Collection method: research. Allele origin: germline. Inheritance: Autosomal dominant inheritance. Study: CSER - NEXT Medicine variant annotation. Not counted in ClinVar's aggregate classification.

Biesecker Lab/Clinical Genomics Section, National Institutes of Health
Classification: Uncertain significance. Last evaluated: 2012-07-13. Review status: no assertion criteria provided. Collection method: research. Allele origin: germline. Affected: no. Observed: 1 variant allele. Study: ClinSeq. Not counted in ClinVar's aggregate classification.
ClinVar note: Converted during submission from variant of unknown significance to Uncertain significance.

Literature cited by the submitters: PubMed 23159591 (cited by 3 submitters); PubMed 25186627 (cited by 3 submitters); PubMed 25980754 (cited by Quest Diagnostics Nichols Institute San Juan Capistrano and Women's Health and Genetics/Laboratory Corporation of America, LabCorp); PubMed 28135145 (cited by Quest Diagnostics Nichols Institute San Juan Capistrano and Women's Health and Genetics/Laboratory Corporation of America, LabCorp); PubMed 26976419 (cited by Quest Diagnostics Nichols Institute San Juan Capistrano and Women's Health and Genetics/Laboratory Corporation of America, LabCorp); PubMed 26845104 (cited by Women's Health and Genetics/Laboratory Corporation of America, LabCorp).